The following is an entry in ClinVar:

NM_001130144.3(LTBP3):c.3842G>T (p.Arg1281Leu)

Gene: LTBP3 (latent transforming growth factor beta binding protein 3; minus strand). Cytogenetic location: 11q13.1.
Variant type: single nucleotide variant.
Coding change: c.3842G>T on transcript NM_001130144.3 (MANE Select); coding-DNA position 3842, G replaced by T.
Protein change: p.Arg1281Leu; replaces arginine 1281 with leucine.
Molecular consequence: missense variant.
Genome position (GRCh38, 1-based): chr11:65,539,150, C>A on the plus strand (G>T on the coding strand, the complement: LTBP3 is on the minus strand). VCF-style: chr11-65539150-C-A. GRCh37 (hg19) VCF-style: chr11-65306621-C-A.
Other names: c.3350G>T, p.Arg1117Leu (NM_001164266.1); c.3701G>T, p.Arg1234Leu (NM_021070.4); short protein forms R1281L, R1117L, R1234L.
Identifiers: ClinVar variation 2989223 (VCV002989223.3), dbSNP rs1398656435, ClinGen allele CA381265891.

ClinVar aggregate classification (germline): Uncertain significance (1 of 4 stars; one submission).

Conditions:
Brachyolmia-amelogenesis imperfecta syndrome. Also called: Tooth agenesis, selective, 6; Dental anomalies and short stature; PLATYSPONDYLY WITH AMELOGENESIS IMPERFECTA. Identifiers: Orphanet 2899, MedGen C1832594, MONDO:0011018, OMIM 601216. Disease mechanism: loss of function.

Submission:

Labcorp Genetics (formerly Invitae), Labcorp
Classification: Uncertain significance for Brachyolmia-amelogenesis imperfecta syndrome. Last evaluated: 2023-02-14. Review status: criteria provided, single submitter. Criteria: Invitae Variant Classification Sherloc (09022015). Collection method: clinical testing. Allele origin: germline.
Comment: This sequence change replaces arginine, which is basic and polar, with leucine, which is neutral and non-polar, at codon 1281 of the LTBP3 protein (p.Arg1281Leu). This variant is not present in population databases (gnomAD no frequency). This variant has not been reported in the literature in individuals affected with LTBP3-related conditions. Algorithms developed to predict the effect of missense changes on protein structure and function (SIFT, PolyPhen-2, Align-GVGD) all suggest that this variant is likely to be disruptive. In summary, the available evidence is currently insufficient to determine the role of this variant in disease. Therefore, it has been classified as a Variant of Uncertain Significance.